The following is an entry in ClinVar:

ClinVar aggregate classification (germline): Uncertain significance (1 of 4 stars; one submission).

Allele frequency attached by ClinVar (database versions not stated): gnomAD exomes below 0.00001.
gnomAD v4.1: 1 of 1,582,132 alleles (0.000063%); highest among the groups gnomAD compares: Non-Finnish European, 0.000086%; no homozygotes.

Submission:

Labcorp Genetics (formerly Invitae), Labcorp
Classification: Uncertain significance. Last evaluated: 2022-02-18. Review status: criteria provided, single submitter. Criteria: Invitae Variant Classification Sherloc (09022015). Collection method: clinical testing. Allele origin: germline.
Comment: Experimental studies and prediction algorithms are not available or were not evaluated, and the functional significance of this variant is currently unknown. This variant has not been reported in the literature in individuals affected with LTBP4-related conditions. This variant is not present in population databases (gnomAD no frequency). This sequence change replaces threonine, which is neutral and polar, with methionine, which is neutral and non-polar, at codon 343 of the LTBP4 protein (p.Thr343Met). In summary, the available evidence is currently insufficient to determine the role of this variant in disease. Therefore, it has been classified as a Variant of Uncertain Significance.

NM_001042545.2(LTBP4):c.938C>T (p.Thr313Met)

Genes: LTBP4 (latent transforming growth factor beta binding protein 4; plus strand), LOC121627876 (Sharpr-MPRA regulatory region 12022; plus strand). Cytogenetic location: 19q13.2.
Variant type: single nucleotide variant.
Coding change: c.938C>T on transcript NM_001042545.2 (MANE Select); coding-DNA position 938, C replaced by T.
Protein change: p.Thr313Met; replaces threonine 313 with methionine.
Molecular consequence: missense variant.
Genome position (GRCh38, 1-based): chr19:40,606,473, C>T. VCF-style: chr19-40606473-C-T. GRCh37 (hg19) VCF-style: chr19-41112379-C-T.
Other names: c.1139C>T, p.Thr380Met (NM_001042544.1); c.1028C>T, p.Thr343Met (NM_003573.2); short protein forms T380M, T313M, T343M.
Identifiers: ClinVar variation 2098391 (VCV002098391.4), dbSNP rs2515347785, ClinGen allele CA405934809.
Genomic context (GRCh38, chr19:40,606,473, plus strand): 5'-AGTGCGCGACTGGCGGGCGCTGCCAGCACGGCGAGTGTGCAAACACGCGCGGCGGGTACA[C>T]GTGTGTGTGCCCCGACGGCTTTCTGCTCGACTCGTCCCGCAGCAGCTGCATCTGTGAGCA-3'
Protein context (NP_001036010.1, residues 303-323): GECANTRGGY[Thr313Met]CVCPDGFLLD